The following is an entry in ClinVar:

NM_005006.7(NDUFS1):c.1101del (p.Leu366_Cys367insTer)

Gene: NDUFS1 (NADH:ubiquinone oxidoreductase core subunit S1; minus strand). Cytogenetic location: 2q33.3.
Variant type: Deletion.
Coding change: c.1101del on transcript NM_005006.7 (MANE Select); coding-DNA position 1101, one base deleted (C; older notation c.1101delC).
Protein change: p.Leu366_Cys367insTer.
Molecular consequence: nonsense.
Genome position (GRCh38, 1-based): chr2:206,142,718, G deleted on the plus strand (C on the coding strand, the reverse complement: NDUFS1 is on the minus strand). VCF-style (leftmost placement, unchanged base first): chr2-206142717-TG-T. GRCh37 (hg19) VCF-style: chr2-207007441-TG-T.
Other names: c.993del, p.Leu330_Cys331insTer (NM_001199981.2); c.768del, p.Leu255_Cys256insTer (NM_001199982.2); c.930del, p.Leu309_Cys310insTer (NM_001199983.2); c.1143del, p.Leu380_Cys381insTer (NM_001199984.2).
Identifiers: ClinVar variation 5006193 (VCV005006193.2).

ClinVar aggregate classification (germline): Likely pathogenic (1 of 4 stars; one submission).

Conditions:
Mitochondrial complex I deficiency, nuclear type 5. Also called: Mitochondrial complex 1 deficiency, nuclear type 5. Identifiers: MedGen C4748754, MONDO:0032610, OMIM 618226.

Submission:

Juno Genomics, Hangzhou Juno Genomics, Inc
Classification: Likely pathogenic for Mitochondrial complex I deficiency, nuclear type 5. Review status: criteria provided, single submitter. Criteria: ACMG Guidelines, 2015. Collection method: clinical testing. Allele origin: germline.
Comment: Null variant in a gene where loss of function (LOF) is a known mechanism of disease.;Absent from controls (or at extremely low frequency if recessive) in Genome Aggregation Database.